The following is an entry in ClinVar:

NM_000260.4(MYO7A):c.2431dup (p.Arg811fs)

Gene: MYO7A (myosin VIIA; plus strand). Cytogenetic location: 11q13.5.
Variant type: Duplication.
Coding change: c.2431dup on transcript NM_000260.4 (MANE Select); coding-DNA position 2431, one base duplicated (C; older notation c.2431dupC).
Protein change: p.Arg811fs; shifts the reading frame from arginine 811.
Molecular consequence: frameshift variant.
Genome position (GRCh38, 1-based): chr11:77,179,798, C duplicated; the last of 2 consecutive C bases (chr11:77,179,797-77,179,798); duplicating either gives the same sequence. VCF-style (leftmost placement, unchanged base first): chr11-77179796-A-AC. GRCh37 (hg19) VCF-style: chr11-76890842-A-AC.
Other names: c.2431dup, p.Arg811fs (NM_001127180.2); c.2398dup, p.Arg800fs (NM_001369365.1); short protein forms R800fs, R811fs.
Identifiers: ClinVar variation 5011804 (VCV005011804.1).

ClinVar aggregate classification (germline): Pathogenic (1 of 4 stars; one submission).

Conditions:
Usher syndrome type 1 (USH1). Also called: RETINITIS PIGMENTOSA AND CONGENITAL DEAFNESS. Identifiers: Orphanet 231169, Orphanet 886, MedGen C1568247, MONDO:0010168, OMIM 276900.

Submission:

Myriad Genetics, Inc.
Classification: Pathogenic for Usher syndrome type 1. Last evaluated: 2023-09-27. Review status: criteria provided, single submitter. Criteria: Myriad Autosomal Dominant, Autosomal Recessive and X-Linked Classification Criteria (2023). Collection method: clinical testing. Allele origin: unknown.
Comment: NM_000260.3(MYO7A):c.2431dupC(R811Pfs*52) is expected to be pathogenic in the context of MYO7A-related disorders. This variant is predicted to lead to an abnormal or absent protein product due to the creation of a premature termination codon in MYO7A, a gene where loss-of-function variants are known to be pathogenic. Please note: this variant was assessed in the context of healthy population screening.